The following is an entry in ClinVar:

Conditions:
Breast-ovarian cancer, familial, susceptibility to, 1 (BROVCA1). Also called: BRCA1 Hereditary Breast and Ovarian Cancer; OVARIAN CANCER, SUSCEPTIBILITY TO. Identifiers: Orphanet 145, MedGen C2676676, MONDO:0011450, OMIM 604370. Disease mechanism: loss of function.

Submission:

Brotman Baty Institute, University of Washington
No classification provided (evidence only). Condition: Breast-ovarian cancer, familial 1. Review status: no classification provided. Collection method: in vitro. Allele origin: not applicable. Functional consequence: functionally_normal.
ClinVar note: "not provided" was previously submitted as the classification for the variant. However, the classification appeared to be based only on an observation of functional data so it was converted to no classification on 2025-07-30.

NM_007294.4(BRCA1):c.5280C>G (p.Ile1760Met)

Gene: BRCA1 (BRCA1 DNA repair associated; minus strand). Cytogenetic location: 17q21.31.
Variant type: single nucleotide variant.
Coding change: c.5280C>G on transcript NM_007294.4 (MANE Select); coding-DNA position 5280, C replaced by G.
Protein change: p.Ile1760Met; replaces isoleucine 1760 with methionine.
Molecular consequence: missense variant. On other transcripts: non-coding transcript variant (1).
Genome position (GRCh38, 1-based): chr17:43,051,115, G>C on the plus strand (C>G on the coding strand, the complement: BRCA1 is on the minus strand). VCF-style: chr17-43051115-G-C. GRCh37 (hg19) VCF-style: chr17-41203132-G-C.
Other names: c.5274C>G, p.Ile1758Met (NM_001407641.1, NM_001407642.1, NM_001407635.1 and 14 more transcripts); c.5271C>G, p.Ile1757Met (NM_001407644.1, NM_001407645.1); c.5199C>G, p.Ile1733Met (NM_001407657.1, NM_001407658.1, NM_001407656.1); c.5196C>G, p.Ile1732Met (NM_001407659.1, NM_001407660.1, NM_001407661.1 and 2 more transcripts); c.5157C>G, p.Ile1719Met (NM_001407664.1, NM_001407665.1, NM_001407937.1 and 5 more transcripts); c.5154C>G, p.Ile1718Met (NM_001407676.1, NM_001407677.1, NM_001407678.1 and 10 more transcripts); c.5151C>G, p.Ile1717Met (NM_001407681.1, NM_001407682.1, NM_001407683.1 and 6 more transcripts); c.5139C>G, p.Ile1713Met (NM_001407697.1, NM_001407698.1, NM_001407724.1 and 13 more transcripts); and 72 more; short protein forms I656M, I1713M, I1760M, I1781M, I1463M, I1591M, I1670M, I1672M.
Identifiers: ClinVar variation 865264 (VCV000865264.3), dbSNP rs750040616, ClinGen allele CA10590985.
Genomic context (GRCh38, chr17:43,051,115, plus strand): 5'-GCTCTTACCTGTGGGCATGTTGGTGAAGGGCCCATAGCAACAGATTTCTAGCCCCCTGAA[G>C]ATCTGGAAGAAGAGAGGAAGAGAGAGGGACAGGGGAATGGAGAGAAGGAAAATCTAGTTA-3'
Protein context (NP_009225.1, residues 1750-1770): KRARESQDRK[Ile1760Met]FRGLEICCYG